The following is an entry in ClinVar:

ClinVar aggregate classification (germline): Uncertain significance (1 of 4 stars; one submission).

Conditions:
Monocytopenia with susceptibility to infections. Also called: MONOCYTOPENIA AND MYCOBACTERIAL INFECTION SYNDROME; MONOCYTOPENIA WITH SUSCEPTIBILITY TO MYCOBACTERIAL, FUNGAL, AND PAPILLOMAVIRUS INFECTIONS AND MYELODYSPLASIA; COMBINED IMMUNODEFICIENCY WITH SUSCEPTIBILITY TO MYCOBACTERIAL, VIRAL, AND FUNGAL INFECTIONS; Dendritic cell, monocyte, B lymphocyte, and natural killer lymphocyte deficiency; IMMUNODEFICIENCY 21; GATA2 DEFICIENCY. Identifiers: Orphanet 228423, MedGen C3280030, MONDO:0013607, OMIM 614172.
Deafness-lymphedema-leukemia syndrome. Also called: Lymphedema, primary, with myelodysplasia; Emberger syndrome. Identifiers: Orphanet 3226, MedGen C3279664, MONDO:0013540, OMIM 614038.

Submission:

Labcorp Genetics (formerly Invitae), Labcorp
Classification: Uncertain significance for Monocytopenia with susceptibility to infections; Deafness-lymphedema-leukemia syndrome. Last evaluated: 2023-09-27. Review status: criteria provided, single submitter. Criteria: Invitae Variant Classification Sherloc (09022015). Collection method: clinical testing. Allele origin: germline.
Comment: This sequence change replaces serine, which is neutral and polar, with proline, which is neutral and non-polar, at codon 426 of the GATA2 protein (p.Ser426Pro). This variant is not present in population databases (gnomAD no frequency). This variant has not been reported in the literature in individuals affected with GATA2-related conditions. Advanced modeling of protein sequence and biophysical properties (such as structural, functional, and spatial information, amino acid conservation, physicochemical variation, residue mobility, and thermodynamic stability) performed at Invitae indicates that this missense variant is not expected to disrupt GATA2 protein function. In summary, the available evidence is currently insufficient to determine the role of this variant in disease. Therefore, it has been classified as a Variant of Uncertain Significance.

NM_032638.5(GATA2):c.1276T>C (p.Ser426Pro)

Gene: GATA2 (GATA binding protein 2; minus strand). Cytogenetic location: 3q21.3.
Variant type: single nucleotide variant.
Coding change: c.1276T>C on transcript NM_032638.5 (MANE Select); coding-DNA position 1276, T replaced by C.
Protein change: p.Ser426Pro; replaces serine 426 with proline.
Molecular consequence: missense variant.
Genome position (GRCh38, 1-based): chr3:128,481,186, A>G on the plus strand (T>C on the coding strand, the complement: GATA2 is on the minus strand). VCF-style: chr3-128481186-A-G. GRCh37 (hg19) VCF-style: chr3-128200029-A-G.
Other names: c.1276T>C, p.Ser426Pro (NM_001145661.2); c.1234T>C, p.Ser412Pro (NM_001145662.1); short protein forms S426P, S412P.
Identifiers: ClinVar variation 2952318 (VCV002952318.3), dbSNP rs1576744367, ClinGen allele CA354412889.
Genomic context (GRCh38, chr3:128,481,186, plus strand): 5'-AGGGCGGGAGGTGGCCCACAGGTGCCATGTGTCCAGCCAGGGCAGCTGCACTGAAGGGGG[A>G]TGACTTCTCCTGCATGCACTTTGACAGCTCCTCGAAGCACTCCGCCCCTTTCTTGCTCTT-3'
Protein context (NP_116027.2, residues 416-436): ELSKCMQEKS[Ser426Pro]PFSAAALAGH